The following is an entry in ClinVar:

ClinVar aggregate classification (germline): Uncertain significance (1 of 4 stars; one submission).

Submission:

GeneDx
Classification: Uncertain significance. Last evaluated: 2026-03-06. Review status: criteria provided, single submitter. Criteria: GeneDx Variant Classification Process June 2021. Collection method: clinical testing. Allele origin: germline.
Comment: Not observed at significant frequency in large population cohorts (gnomAD); In silico analysis suggests that this variant does not alter splicing; Has not been previously published as pathogenic or benign to our knowledge

NM_001371596.2(MFSD8):c.1515A>G (p.Arg505=)

Gene: MFSD8 (major facilitator superfamily domain containing 8; minus strand). Cytogenetic location: 4q28.2.
Variant type: single nucleotide variant.
Coding change: c.1515A>G on transcript NM_001371596.2 (MANE Select); coding-DNA position 1515, A replaced by G.
Protein change: p.Arg505=; no amino-acid change (arginine 505 retained).
Molecular consequence: synonymous variant. On other transcripts: 3 prime UTR variant (2).
Genome position (GRCh38, 1-based): chr4:127,920,672, T>C on the plus strand (A>G on the coding strand, the complement: MFSD8 is on the minus strand). VCF-style: chr4-127920672-T-C. GRCh37 (hg19) VCF-style: chr4-128841827-T-C.
Other names: c.1314A>G, p.Arg438= (NM_001363520.3); c.1200A>G, p.Arg400= (NM_001363521.3); c.1380A>G, p.Arg460= (NM_001371590.2); c.1524A>G, p.Arg508= (NM_001371591.2); c.1521A>G, p.Arg507= (NM_001371592.2); c.1401A>G, p.Arg467= (NM_001371593.2); c.1368A>G, p.Arg456= (NM_001371594.2); c.1233A>G, p.Arg411= (NM_001371595.1); and 3 more.
Identifiers: ClinVar variation 5008386 (VCV005008386.1).
Genomic context (GRCh38, chr4:127,920,672, plus strand): 5'-ATCACAGTCTTAGCTAGTTTATTCCTGAATCCTCCCATATCTTACAGAAAGAGCAATGAG[T>C]CTTTTGTAAACCACTCCCAGGAGGGTGATGGTGAGCACTATTATTCCACACACCAGGCTG-3'
Protein context (NP_001358525.1, residues 495-515): TITLLGVVYK[Arg505=]LIALSVRYGR